The following is an entry in ClinVar:

NM_206933.4(USH2A):c.15522T>C (p.Tyr5174=)

Gene: USH2A (usherin; minus strand). Cytogenetic location: 1q41.
Variant type: single nucleotide variant.
Coding change: c.15522T>C on transcript NM_206933.4 (MANE Select); coding-DNA position 15522, T replaced by C.
Protein change: p.Tyr5174=; no amino-acid change (tyrosine 5174 retained).
Molecular consequence: synonymous variant.
Genome position (GRCh38, 1-based): chr1:215,625,868, A>G on the plus strand (T>C on the coding strand, the complement: USH2A is on the minus strand). VCF-style: chr1-215625868-A-G. GRCh37 (hg19) VCF-style: chr1-215799210-A-G.
Other names: p.Y5174Y:TAT>TAC.
Identifiers: ClinVar variation 48467 (VCV000048467.19), dbSNP rs77792891, ClinGen allele CA143407.

ClinVar aggregate classification (germline): Benign. Review status: criteria provided, multiple submitters, no conflicts (2 of 4 stars). 9 submissions from 8 submitters: Benign (8). 1 of the submissions does not count toward it. Last evaluated 2026-02-04.

Conditions:
Retinitis pigmentosa 39 (RP39). Identifiers: Orphanet 791, MedGen C3151138, MONDO:0013436, OMIM 613809.
Usher syndrome type 2A. Also called: RETINAL DISEASE IN USHER SYNDROME TYPE IIA, MODIFIER OF; USHER SYNDROME, TYPE IIA. Identifiers: Orphanet 231178, Orphanet 886, MedGen C1848634, MONDO:0010169, OMIM 276901.

Allele frequency attached by ClinVar (database versions not stated): gnomAD 0.04199 and 0.04524; 1000 Genomes Project 0.04253; TOPMed 0.04796; ESP Exome Variant Server 0.05121; gnomAD exomes 0.01186 and 0.00460; ExAC 0.01402; 1000 Genomes Project 30x 0.04700.
gnomAD v4.1: 13,401 of 1,613,968 alleles (0.83%); highest among the groups gnomAD compares: African/African-American, 14%; 844 homozygotes.

Submissions (9):

Labcorp Genetics (formerly Invitae), Labcorp
Classification: Benign. Last evaluated: 2026-02-04. Review status: criteria provided, single submitter. Criteria: Invitae Variant Classification Sherloc (09022015). Collection method: clinical testing. Allele origin: germline.

Genome-Nilou Lab
Classification: Benign for Retinitis pigmentosa 39. Last evaluated: 2023-11-04. Review status: criteria provided, single submitter. Criteria: ACMG Guidelines, 2015. Collection method: clinical testing. Allele origin: germline. Affected: no.

Genome-Nilou Lab
Classification: Benign for Usher syndrome type 2A. Last evaluated: 2023-11-04. Review status: criteria provided, single submitter. Criteria: ACMG Guidelines, 2015. Collection method: clinical testing. Allele origin: germline. Affected: no.

Fulgent Genetics
Classification: Benign for Usher syndrome type 2A; Retinitis pigmentosa 39. Last evaluated: 2022-05-13. Review status: criteria provided, single submitter. Criteria: ACMG Guidelines, 2015. Collection method: clinical testing. Allele origin: unknown.

Athena Diagnostics
Classification: Benign. Last evaluated: 2019-07-17. Review status: criteria provided, single submitter. Criteria: Athena Diagnostics Criteria. Collection method: clinical testing. Allele origin: germline.

Laboratory for Molecular Medicine, Mass General Brigham Personalized Medicine
Classification: Benign. Last evaluated: 2011-10-12. Review status: criteria provided, single submitter. Criteria: LMM Criteria. Collection method: clinical testing. Allele origin: germline. Observed: 58 variant alleles.
Comment: Tyr5174Tyr in exon 72 of USH2A: This variant is not expected to have clinical si gnificance because it does not alter an amino acid residue, is not located near a splice junction, and has been identified in 19.5% (23/118) of African control chromosomes and 5.2% (301/5823) of general population control chromosomes.

GeneDx
Classification: Benign. Last evaluated: 2011-08-12. Review status: criteria provided, single submitter. Criteria: GeneDx Variant Classification (06012015). Collection method: clinical testing. Allele origin: germline. Affected: yes.
Comment: This variant is considered likely benign or benign based on one or more of the following criteria: it is a conservative change, it occurs at a poorly conserved position in the protein, it is predicted to be benign by multiple in silico algorithms, and/or has population frequency not consistent with disease.

Breakthrough Genomics
Classification: Benign. Review status: criteria provided, single submitter. Criteria: ACMG Guidelines, 2015. Collection method: not provided. Allele origin: germline. Inheritance: Autosomal recessive inheritance. Affected: yes.

Natera, Inc.
Classification: Benign for Usher syndrome type 2A. Last evaluated: 2020-09-16. Review status: no assertion criteria provided. Collection method: clinical testing. Allele origin: germline. Not counted in ClinVar's aggregate classification.